The following is an entry in ClinVar:

ClinVar aggregate classification (germline): Pathogenic. Review status: criteria provided, multiple submitters, no conflicts (2 of 4 stars). 2 submissions from 2 submitters: Pathogenic (2). Last evaluated 2023-12-12.

Conditions:
Lynch syndrome 5 (LYNCH5). Also called: Hereditary non-polyposis colorectal cancer, type 5; Colorectal cancer, hereditary nonpolyposis, type 5. Identifiers: Orphanet 144, MedGen C1833477, MONDO:0013710, OMIM 614350. Disease mechanism: loss of function.
Hereditary nonpolyposis colorectal neoplasms. Identifiers: MedGen C0009405, MeSH D003123.

Submissions (2):

Myriad Genetics, Inc.
Classification: Pathogenic for Lynch syndrome 5. Last evaluated: 2023-12-12. Review status: criteria provided, single submitter. Criteria: Myriad Autosomal Dominant, Autosomal Recessive and X-Linked Classification Criteria (2023). Collection method: clinical testing. Allele origin: unknown.
Comment: This variant is considered pathogenic. This variant creates a frameshift predicted to result in premature protein truncation.

Labcorp Genetics (formerly Invitae), Labcorp
Classification: Pathogenic for Hereditary nonpolyposis colorectal neoplasms. Last evaluated: 2021-03-02. Review status: criteria provided, single submitter. Criteria: Invitae Variant Classification Sherloc (09022015). Collection method: clinical testing. Allele origin: germline.
Comment: Algorithms developed to predict the effect of sequence changes on RNA splicing suggest that this variant may create or strengthen a splice site, but this prediction has not been confirmed by published transcriptional studies. This variant has not been reported in the literature in individuals with MSH6-related conditions. This variant is not present in population databases (ExAC no frequency). This sequence change creates a premature translational stop signal (p.Gly520Valfs*52) in the MSH6 gene. It is expected to result in an absent or disrupted protein product. Loss-of-function variants in MSH6 are known to be pathogenic (PMID: 18269114, 24362816). For these reasons, this variant has been classified as Pathogenic.

Literature cited by the submitters: PubMed 18269114 (cited by Labcorp Genetics (formerly Invitae), Labcorp); PubMed 24362816 (cited by Labcorp Genetics (formerly Invitae), Labcorp).

NM_000179.3(MSH6):c.1558_1559insTA (p.Gly520fs)

Gene: MSH6 (mutS homolog 6; plus strand). Cytogenetic location: 2p16.3.
Variant type: Insertion.
Coding change: c.1558_1559insTA on transcript NM_000179.3 (MANE Select); coding-DNA positions 1558 to 1559, TA inserted.
Protein change: p.Gly520fs; shifts the reading frame from glycine 520.
Molecular consequence: frameshift variant.
Genome position: GRCh38 VCF-style: chr2-47799541-G-GTA. GRCh37 (hg19) VCF-style: chr2-48026680-G-GTA.
Other names: c.1168_1169insTA, p.Gly390fs (NM_001281492.2); c.652_653insTA, p.Gly218fs (NM_001281493.2, NM_001281494.2); short protein forms G390fs, G520fs, G218fs.
Identifiers: ClinVar variation 1426739 (VCV001426739.7), dbSNP rs2104351513, ClinGen allele CA2573134923.